The following is an entry in ClinVar:

ClinVar aggregate classification (germline): Pathogenic (1 of 4 stars; one submission).

Conditions:
Aicardi-Goutieres syndrome 5. Identifiers: Orphanet 51, MedGen C2749659, MONDO:0013059, OMIM 612952.

Submission:

Labcorp Genetics (formerly Invitae), Labcorp
Classification: Pathogenic for Aicardi-Goutieres syndrome 5. Last evaluated: 2023-11-08. Review status: criteria provided, single submitter. Criteria: Invitae Variant Classification Sherloc (09022015). Collection method: clinical testing. Allele origin: germline.
Comment: This sequence change creates a premature translational stop signal (p.Val518*) in the SAMHD1 gene. It is expected to result in an absent or disrupted protein product. Loss-of-function variants in SAMHD1 are known to be pathogenic (PMID: 19525956, 22461318). This variant is not present in population databases (gnomAD no frequency). This variant has not been reported in the literature in individuals affected with SAMHD1-related conditions. For these reasons, this variant has been classified as Pathogenic.

Literature cited by the submitters: PubMed 19525956; PubMed 22461318.

NM_015474.4(SAMHD1):c.1552_1553del (p.His517_Val518insTer)

Gene: SAMHD1 (SAM and HD domain containing deoxynucleoside triphosphate triphosphohydrolase 1; minus strand). Cytogenetic location: 20q11.23.
Variant type: Deletion.
Coding change: c.1552_1553del on transcript NM_015474.4 (MANE Select); coding-DNA positions 1552 to 1553, 2 bases deleted (GT; older notation c.1552_1553delGT).
Protein change: p.His517_Val518insTer.
Molecular consequence: nonsense. On other transcripts: intron variant (1).
Genome position (GRCh38, 1-based): chr20:36,898,495-36,898,496, AC deleted on the plus strand (GT on the coding strand, the reverse complement: SAMHD1 is on the minus strand); deleting any 2 consecutive bases within chr20:36,898,495-36,898,497 gives the same sequence; the c. name uses the placement nearest the transcript's 3' end. VCF-style (leftmost placement, unchanged base first): chr20-36898494-AAC-A. GRCh37 (hg19) VCF-style: chr20-35526897-AAC-A.
Other names: c.1552_1553del, p.His517_Val518insTer (NM_001363733.2); c.1504-537_1504-536del (NM_001363729.2).
Identifiers: ClinVar variation 2694313 (VCV002694313.3), dbSNP rs2515219038, ClinGen allele CA2697547385.
Genomic context (GRCh38, chr20:36,898,494, plus strand): 5'-AGTTACCTGGTTTTTAGTAATCCTGATTGCTCTGTTGGGGGCAGTCTTACAATAGAAGCT[AAC>A]ATGATCAATTGGATTCTTTTCTTGCATTCCATAATCCATGTTGATAACCTAAATAAAAGC-3'